The following is an entry in ClinVar:

NM_005045.4(RELN):c.8797A>G (p.Thr2933Ala)

Genes: SLC26A5-AS1 (SLC26A5 antisense RNA 1; plus strand), RELN (reelin; minus strand). Cytogenetic location: 7q22.1.
Variant type: single nucleotide variant.
Coding change: c.8797A>G on transcript NM_005045.4 (MANE Select); coding-DNA position 8797, A replaced by G.
Protein change: p.Thr2933Ala; replaces threonine 2933 with alanine.
Molecular consequence: missense variant.
Genome position (GRCh38, 1-based): chr7:103,498,123, T>C on the plus strand (A>G on the coding strand, the complement: RELN is on the minus strand). VCF-style: chr7-103498123-T-C. GRCh37 (hg19) VCF-style: chr7-103138570-T-C.
Other names: c.8797A>G, p.Thr2933Ala (NM_173054.3); short protein forms T2933A.
Identifiers: ClinVar variation 1047601 (VCV001047601.8), dbSNP rs1172953100, ClinGen allele CA368753098.
Genomic context (GRCh38, chr7:103,498,123, plus strand): 5'-AAAAATTCACTTACTTTGCACCTCGAAGATCCAAATCTTGTGTAACCGCTTGTCTCACAG[T>C]GGATCCCCCAAAATAGAGTGCAGTGTCCTCGGCAAGAATTCCACACTCAGTGCAAGTACT-3'
Protein context (NP_005036.2, residues 2923-2943): EDTALYFGGS[Thr2933Ala]VRQAVTQDLD

ClinVar aggregate classification (germline): Uncertain significance (1 of 4 stars; one submission).

Conditions:
Norman-Roberts syndrome (LIS2). Also called: Lissencephaly 2 (Norman-Roberts type). Identifiers: Orphanet 89844, MedGen C0796089, MONDO:0009760, OMIM 257320.
Familial temporal lobe epilepsy 7. Identifiers: Orphanet 101046, MedGen C4225327, MONDO:0014639, OMIM 616436.

Allele frequency attached by ClinVar (database versions not stated): TOPMed below 0.00001; gnomAD exomes 0.00001 and 0.00002.
gnomAD v4.1: 26 of 1,614,166 alleles (0.0016%); highest among the groups gnomAD compares: Non-Finnish European, 0.0022%; no homozygotes.

Submission:

Labcorp Genetics (formerly Invitae), Labcorp
Classification: Uncertain significance for Familial temporal lobe epilepsy 7; Norman-Roberts syndrome. Last evaluated: 2023-08-17. Review status: criteria provided, single submitter. Criteria: Invitae Variant Classification Sherloc (09022015). Collection method: clinical testing. Allele origin: germline.
Comment: In summary, the available evidence is currently insufficient to determine the role of this variant in disease. Therefore, it has been classified as a Variant of Uncertain Significance. Advanced modeling of protein sequence and biophysical properties (such as structural, functional, and spatial information, amino acid conservation, physicochemical variation, residue mobility, and thermodynamic stability) performed at Invitae indicates that this missense variant is not expected to disrupt RELN protein function. ClinVar contains an entry for this variant (Variation ID: 1047601). This variant has not been reported in the literature in individuals affected with RELN-related conditions. This variant is present in population databases (no rsID available, gnomAD 0.002%). This sequence change replaces threonine, which is neutral and polar, with alanine, which is neutral and non-polar, at codon 2933 of the RELN protein (p.Thr2933Ala).